The following is an entry in ClinVar:

NM_000742.4(CHRNA2):c.131C>G (p.Pro44Arg)

Gene: CHRNA2 (cholinergic receptor nicotinic alpha 2 subunit; minus strand). Cytogenetic location: 8p21.2.
Variant type: single nucleotide variant.
Coding change: c.131C>G on transcript NM_000742.4 (MANE Select); coding-DNA position 131, C replaced by G.
Protein change: p.Pro44Arg; replaces proline 44 with arginine.
Molecular consequence: missense variant. On other transcripts: 5 prime UTR variant (4).
Genome position (GRCh38, 1-based): chr8:27,469,924, G>C on the plus strand (C>G on the coding strand, the complement: CHRNA2 is on the minus strand). VCF-style: chr8-27469924-G-C. GRCh37 (hg19) VCF-style: chr8-27327441-G-C.
Other names: c.131C>G, p.Pro44Arg (NM_001282455.2); c.-297C>G (NM_001347705.2); c.-342C>G (NM_001347706.2); c.-283C>G (NM_001347707.2); c.-331C>G (NM_001347708.2); short protein forms P44R.
Identifiers: ClinVar variation 2795538 (VCV002795538.3), dbSNP rs778838030, ClinGen allele CA370813385.
Genomic context (GRCh38, chr8:27,469,924, plus strand): 5'-TTGAAGAGCCGGTCCTCAGTCTCGGTATGCGAGCCTCCCTGCGGCAATGCCGTGGGACTG[G>C]GAGAGGAGAGTGGGTCTCCAGGAGCCCTGGGAGGTGGGCGCTTAGCTTCCTCTCCACCTG-3'
Protein context (NP_000733.2, residues 34-54): PRAPGDPLSS[Pro44Arg]SPTALPQGGS

ClinVar aggregate classification (germline): Uncertain significance (1 of 4 stars; one submission).

Conditions:
Familial sleep-related hypermotor epilepsy. Also called: Autosomal Dominant Sleep-Related Hypermotor (Hyperkinetic) Epilepsy. Identifiers: Orphanet 98784, MedGen C3696898, MONDO:0000030.

gnomAD v4.1: 1 of 1,614,164 alleles (0.000062%); no homozygotes.

Submission:

Labcorp Genetics (formerly Invitae), Labcorp
Classification: Uncertain significance. Last evaluated: 2023-04-24. Review status: criteria provided, single submitter. Criteria: Invitae Variant Classification Sherloc (09022015). Collection method: clinical testing. Allele origin: germline.
Comment: This sequence change replaces proline, which is neutral and non-polar, with arginine, which is basic and polar, at codon 44 of the CHRNA2 protein (p.Pro44Arg). This variant is present in population databases (no rsID available, gnomAD 0.003%). This variant has not been reported in the literature in individuals affected with CHRNA2-related conditions. Advanced modeling of protein sequence and biophysical properties (such as structural, functional, and spatial information, amino acid conservation, physicochemical variation, residue mobility, and thermodynamic stability) performed at Invitae indicates that this missense variant is not expected to disrupt CHRNA2 protein function. In summary, the available evidence is currently insufficient to determine the role of this variant in disease. Therefore, it has been classified as a Variant of Uncertain Significance.